The following is an entry in ClinVar:

NM_000051.4(ATM):c.8999A>G (p.Gln3000Arg)

Genes: ATM (ATM serine/threonine kinase; plus strand), C11orf65 (chromosome 11 open reading frame 65; minus strand). Cytogenetic location: 11q22.3.
Variant type: single nucleotide variant.
Coding change: c.8999A>G on transcript NM_000051.4 (MANE Select); coding-DNA position 8999, A replaced by G.
Protein change: p.Gln3000Arg; replaces glutamine 3000 with arginine.
Molecular consequence: missense variant. On other transcripts: intron variant (2).
Genome position (GRCh38, 1-based): chr11:108,365,336, A>G. VCF-style: chr11-108365336-A-G. GRCh37 (hg19) VCF-style: chr11-108236063-A-G.
Other names: c.8999A>G, p.Gln3000Arg (NM_001351834.2); c.640+20584T>C (NM_001330368.2); c.694+20584T>C (NM_001351110.2); short protein forms Q3000R.
Identifiers: ClinVar variation 1511508 (VCV001511508.8), dbSNP rs2137905294, ClinGen allele CA382530845.
Genomic context (GRCh38, chr11:108,365,336, plus strand): 5'-GGCCTTTAAACTGTTCACCTCACTGAAACCTTTGTGTTTTTGTCCTTAGTGATATTGACC[A>G]GAGTTTCAACAAAGTAGCTGAACGTGTCTTAATGAGACTACAAGAGAAACTGAAAGGAGT-3'
Protein context (NP_000042.3, residues 2990-3010): ECKRNLSDID[Gln3000Arg]SFNKVAERVL

ClinVar aggregate classification (germline): Uncertain significance (1 of 4 stars; one submission).

Conditions:
Ataxia-telangiectasia syndrome (AT). Also called: LOUIS-BAR SYNDROME; Cerebello-oculocutaneous telangiectasia; Immunodeficiency with ataxia telangiectasia; Ataxia telangiectasia (A-T); Ataxia-telangiectasia, complementation group D; AT, COMPLEMENTATION GROUP C. Identifiers: Orphanet 100, MedGen C0004135, MONDO:0008840, OMIM 208900.

Submission:

Labcorp Genetics (formerly Invitae), Labcorp
Classification: Uncertain significance for Ataxia-telangiectasia syndrome. Last evaluated: 2023-11-14. Review status: criteria provided, single submitter. Criteria: Invitae Variant Classification Sherloc (09022015). Collection method: clinical testing. Allele origin: germline.
Comment: This sequence change replaces glutamine, which is neutral and polar, with arginine, which is basic and polar, at codon 3000 of the ATM protein (p.Gln3000Arg). This variant is not present in population databases (gnomAD no frequency). This variant has not been reported in the literature in individuals affected with ATM-related conditions. ClinVar contains an entry for this variant (Variation ID: 1511508). An algorithm developed to predict the effect of missense changes on protein structure and function (PolyPhen-2) suggests that this variant is likely to be tolerated. In summary, the available evidence is currently insufficient to determine the role of this variant in disease. Therefore, it has been classified as a Variant of Uncertain Significance.